The following is an entry in ClinVar:

NM_013372.7(GREM1):c.277T>A (p.Trp93Arg)

Gene: GREM1 (gremlin 1, DAN family BMP antagonist; plus strand). Cytogenetic location: 15q13.3.
Variant type: single nucleotide variant.
Coding change: c.277T>A on transcript NM_013372.7 (MANE Select); coding-DNA position 277, T replaced by A.
Protein change: p.Trp93Arg; replaces tryptophan 93 with arginine.
Molecular consequence: missense variant.
Genome position (GRCh38, 1-based): chr15:32,730,967, T>A. VCF-style: chr15-32730967-T-A. GRCh37 (hg19) VCF-style: chr15-33023168-T-A.
Other names: c.67T>A, p.Trp23Arg (NM_001191322.2); c.154T>A, p.Trp52Arg (NM_001191323.2); c.277T>A, p.Trp93Arg (NM_001368719.1); short protein forms W23R, W52R, W93R.
Identifiers: ClinVar variation 3226259 (VCV003226259.1), dbSNP rs2548707752, ClinGen allele CA391557576.
Genomic context (GRCh38, chr15:32,730,967, plus strand): 5'-GTGCTGGAGTCCAGCCAAGAGGCCCTGCATGTGACGGAGCGCAAATACCTGAAGCGAGAC[T>A]GGTGCAAAACCCAGCCGCTTAAGCAGACCATCCACGAGGAAGGCTGCAACAGTCGCACCA-3'
Protein context (NP_037504.1, residues 83-103): VTERKYLKRD[Trp93Arg]CKTQPLKQTI

ClinVar aggregate classification (germline): Uncertain significance (1 of 4 stars; one submission).

Conditions:
Hereditary cancer-predisposing syndrome. Also called: Neoplastic Syndromes, Hereditary; Tumor predisposition; Hereditary neoplastic syndrome; Hereditary Cancer Syndrome. Identifiers: Orphanet 140162, MedGen C0027672, MeSH D009386, MONDO:0015356.

Submission:

Ambry Genetics
Classification: Uncertain significance for Hereditary cancer-predisposing syndrome. Last evaluated: 2024-02-23. Review status: criteria provided, single submitter. Criteria: Ambry Variant Classification Scheme 2023. Collection method: clinical testing. Allele origin: germline.
Comment: The p.W93R variant (also known as c.277T>A), located in coding exon 1 of the GREM1 gene, results from a T to A substitution at nucleotide position 277. The tryptophan at codon 93 is replaced by arginine, an amino acid with dissimilar properties. This amino acid position is conserved. In addition, the in silico prediction for this alteration is inconclusive. Based on the available evidence, the clinical significance of this alteration remains unclear.